The following is an entry in ClinVar:

NM_006351.4(TIMM44):c.1128+3A>G

Gene: TIMM44 (translocase of inner mitochondrial membrane 44; minus strand). Cytogenetic location: 19p13.2.
Variant type: single nucleotide variant.
Coding change: c.1128+3A>G on transcript NM_006351.4 (MANE Select); 3 bases into the intron after coding-DNA position 1128, A replaced by G.
Molecular consequence: intron variant.
Genome position (GRCh38, 1-based): chr19:7,928,074, T>C on the plus strand (A>G on the coding strand, the complement: TIMM44 is on the minus strand). VCF-style: chr19-7928074-T-C. GRCh37 (hg19) VCF-style: chr19-7992959-T-C.
Identifiers: ClinVar variation 137648 (VCV000137648.6), dbSNP rs34425383, ClinGen allele CA291296.
Genomic context (GRCh38, chr19:7,928,074, plus strand): 5'-CCTTGTCTGGGCCATAGTTCCCACCCCCGATGGTGGCCCGGGCCCCCACTGCGAGGTGCT[T>C]ACGTCGACGTTGTCAATGTCTAGGATGCGAGAATGGAACTGGAGACCCAGTGCCTTGGCC-3'

ClinVar aggregate classification (germline): Benign. Review status: criteria provided, multiple submitters, no conflicts (2 of 4 stars). 3 submissions from 3 submitters: Benign (2). 1 of the submissions does not count toward it. Last evaluated 2014-01-09.

Allele frequency attached by ClinVar (database versions not stated): 1000 Genomes Project 0.06729; ExAC 0.07012; ESP Exome Variant Server 0.08435; gnomAD exomes 0.06307 and 0.07000; 1000 Genomes Project 30x 0.06824; gnomAD 0.07976 and 0.08169; TOPMed 0.07807.
gnomAD v4.1: 114,371 of 1,612,756 alleles (7.1%); highest among the groups gnomAD compares: African/African-American, 11%; 4,228 homozygotes.

Submissions (3):

GeneDx
Classification: Benign. Last evaluated: 2014-01-09. Review status: criteria provided, single submitter. Criteria: GeneDx Variant Classification (06012015). Collection method: clinical testing. Allele origin: germline. Affected: yes.
Comment: This variant is considered likely benign or benign based on one or more of the following criteria: it is a conservative change, it occurs at a poorly conserved position in the protein, it is predicted to be benign by multiple in silico algorithms, and/or has population frequency not consistent with disease.

Breakthrough Genomics
Classification: Benign. Review status: criteria provided, single submitter. Criteria: ACMG Guidelines, 2015. Collection method: not provided. Allele origin: germline. Inheritance: Unknown mechanism. Affected: yes.

Mayo Clinic Laboratories, Mayo Clinic
Classification: Benign. Last evaluated: 2016-02-23. Review status: no assertion criteria provided. Collection method: clinical testing. Allele origin: unknown. Not counted in ClinVar's aggregate classification.